The following is an entry in ClinVar:

ClinVar aggregate classification (germline): Uncertain significance (1 of 4 stars; one submission).

Allele frequency attached by ClinVar (database versions not stated): ExAC 0.00001; gnomAD 0.00001; gnomAD exomes 0.00001 and 0.00002; TOPMed 0.00001.
gnomAD v4.1: 25 of 1,613,970 alleles (0.0015%); highest among the groups gnomAD compares: Non-Finnish European, 0.0019%; no homozygotes.

Submission:

Labcorp Genetics (formerly Invitae), Labcorp
Classification: Uncertain significance. Last evaluated: 2025-06-27. Review status: criteria provided, single submitter. Criteria: Invitae Variant Classification Sherloc (09022015). Collection method: clinical testing. Allele origin: germline.
Comment: This sequence change replaces valine, which is neutral and non-polar, with leucine, which is neutral and non-polar, at codon 345 of the NEUROD1 protein (p.Val345Leu). This variant is present in population databases (rs763573674, gnomAD 0.002%). This variant has not been reported in the literature in individuals affected with NEUROD1-related conditions. ClinVar contains an entry for this variant (Variation ID: 1373739). Invitae Evidence Modeling of protein sequence and biophysical properties (such as structural, functional, and spatial information, amino acid conservation, physicochemical variation, residue mobility, and thermodynamic stability) indicates that this missense variant is not expected to disrupt NEUROD1 protein function with a negative predictive value of 80%. In summary, the available evidence is currently insufficient to determine the role of this variant in disease. Therefore, it has been classified as a Variant of Uncertain Significance.

NM_002500.5(NEUROD1):c.1033G>C (p.Val345Leu)

Gene: NEUROD1 (neuronal differentiation 1; minus strand). Cytogenetic location: 2q31.3.
Variant type: single nucleotide variant.
Coding change: c.1033G>C on transcript NM_002500.5 (MANE Select); coding-DNA position 1033, G replaced by C.
Protein change: p.Val345Leu; replaces valine 345 with leucine.
Molecular consequence: missense variant.
Genome position (GRCh38, 1-based): chr2:181,677,828, C>G on the plus strand (G>C on the coding strand, the complement: NEUROD1 is on the minus strand). VCF-style: chr2-181677828-C-G. GRCh37 (hg19) VCF-style: chr2-182542555-C-G.
Other names: short protein forms V345L.
Identifiers: ClinVar variation 1373739 (VCV001373739.8), dbSNP rs763573674, ClinGen allele CA2011014.